The following is an entry in ClinVar:

ClinVar aggregate classification (germline): Uncertain significance (1 of 4 stars; one submission).

Conditions:
HNF1B-related disorder. Also called: HNF1B-related condition; HNF1B-related disorders.

Submission:

PreventionGenetics, part of Exact Sciences
Classification: Uncertain significance for HNF1B-related condition. Last evaluated: 2026-05-29. Review status: criteria provided, single submitter. Criteria: ACMG Guidelines, 2015. Collection method: clinical testing. Allele origin: germline.
Comment: The HNF1B c.1502T>C variant is predicted to result in the amino acid substitution p.Met501Thr. To our knowledge, this variant has not been reported in the literature or in a large population database, indicating it is rare. A missense variant affecting the same amino acid (p.Met501Val) has been reported in an individual with congenital anomalies of kidney and urinary tract (Supplementary Table 3, Domingo-Gallego et al. 2022. PubMed ID: 33532864). At this time, the clinical significance of this variant is uncertain due to the absence of conclusive functional and genetic evidence.

NM_000458.4(HNF1B):c.1502T>C (p.Met501Thr)

Gene: HNF1B (HNF1 homeobox B; minus strand). Cytogenetic location: 17q12.
Variant type: single nucleotide variant.
Coding change: c.1502T>C on transcript NM_000458.4 (MANE Select); coding-DNA position 1502, T replaced by C.
Protein change: p.Met501Thr; replaces methionine 501 with threonine.
Molecular consequence: missense variant. On other transcripts: intron variant (1).
Genome position (GRCh38, 1-based): chr17:37,701,015, A>G on the plus strand (T>C on the coding strand, the complement: HNF1B is on the minus strand). VCF-style: chr17-37701015-A-G. GRCh37 (hg19) VCF-style: chr17-36061020-A-G.
Other names: c.1424T>C, p.Met475Thr (NM_001165923.4); c.1502T>C, p.Met501Thr (NM_001411100.1); c.1261+3902T>C (NM_001304286.2); short protein forms M501T, M475T.
Identifiers: ClinVar variation 4986902 (VCV004986902.1).